The following is an entry in ClinVar:

ClinVar aggregate classification (germline): Benign (1 of 4 stars; one submission).

Allele frequency attached by ClinVar (database versions not stated): gnomAD 0.32387 and 0.32870; 1000 Genomes Project 0.34665.
gnomAD v4.1: 34,284 of 104,384 alleles (33%); highest among the groups gnomAD compares: East Asian, 45%; 4,176 homozygotes.

Submission:

GeneDx
Classification: Benign. Last evaluated: 2018-06-14. Review status: criteria provided, single submitter. Criteria: GeneDx Variant Classification (06012015). Collection method: clinical testing. Allele origin: germline. Affected: yes.
Comment: This variant is considered likely benign or benign based on one or more of the following criteria: it is a conservative change, it occurs at a poorly conserved position in the protein, it is predicted to be benign by multiple in silico algorithms, and/or has population frequency not consistent with disease.

NM_001165963.4(SCN1A):c.965-215T>C

Gene: SCN1A (sodium voltage-gated channel alpha subunit 1; minus strand). Cytogenetic location: 2q24.3.
Variant type: single nucleotide variant.
Coding change: c.965-215T>C on transcript NM_001165963.4 (MANE Select); 215 bases into the intron before coding-DNA position 965, T replaced by C.
Molecular consequence: intron variant.
Genome position (GRCh38, 1-based): chr2:166,049,164, A>G on the plus strand (T>C on the coding strand, the complement: SCN1A is on the minus strand). VCF-style: chr2-166049164-A-G. GRCh37 (hg19) VCF-style: chr2-166905674-A-G.
Other names: c.965-215T>C (NM_001353949.2, NM_001353958.2, NM_001353950.2 and 10 more transcripts); c.-1461-215T>C (NM_001353961.2).
Identifiers: ClinVar variation 669298 (VCV000669298.1), dbSNP rs6432863, ClinGen allele CA59799800.